The following is an entry in ClinVar:

NM_001197104.2(KMT2A):c.1347T>A (p.Ser449Arg)

Gene: KMT2A (lysine methyltransferase 2A; plus strand). Cytogenetic location: 11q23.3.
Variant type: single nucleotide variant.
Coding change: c.1347T>A on transcript NM_001197104.2 (MANE Select); coding-DNA position 1347, T replaced by A.
Protein change: p.Ser449Arg; replaces serine 449 with arginine.
Molecular consequence: missense variant.
Genome position (GRCh38, 1-based): chr11:118,472,506, T>A. VCF-style: chr11-118472506-T-A. GRCh37 (hg19) VCF-style: chr11-118343221-T-A.
Other names: c.1446T>A, p.Ser482Arg (NM_001412597.1); c.1347T>A, p.Ser449Arg (NM_005933.4); short protein forms S449R, S482R.
Identifiers: ClinVar variation 1926185 (VCV001926185.5), dbSNP rs1421810087, ClinGen allele CA382809916.

ClinVar aggregate classification (germline): Uncertain significance (1 of 4 stars; one submission).

Allele frequency attached by ClinVar (database versions not stated): TOPMed 0.00002; gnomAD 0.00003.
gnomAD v4.1: 5 of 1,613,242 alleles (0.00031%); highest among the groups gnomAD compares: African/African-American, 0.0067%; no homozygotes.

Submission:

Labcorp Genetics (formerly Invitae), Labcorp
Classification: Uncertain significance. Last evaluated: 2024-05-06. Review status: criteria provided, single submitter. Criteria: Invitae Variant Classification Sherloc (09022015). Collection method: clinical testing. Allele origin: germline.
Comment: This sequence change replaces serine, which is neutral and polar, with arginine, which is basic and polar, at codon 449 of the KMT2A protein (p.Ser449Arg). This variant is present in population databases (no rsID available, gnomAD 0.02%). This variant has not been reported in the literature in individuals affected with KMT2A-related conditions. ClinVar contains an entry for this variant (Variation ID: 1926185). Advanced modeling of protein sequence and biophysical properties (such as structural, functional, and spatial information, amino acid conservation, physicochemical variation, residue mobility, and thermodynamic stability) performed at Invitae indicates that this missense variant is not expected to disrupt KMT2A protein function with a negative predictive value of 95%. In summary, the available evidence is currently insufficient to determine the role of this variant in disease. Therefore, it has been classified as a Variant of Uncertain Significance.